The following is an entry in ClinVar:

ClinVar aggregate classification (germline): Uncertain significance (1 of 4 stars; one submission).

Conditions:
Hereditary cancer-predisposing syndrome. Also called: Neoplastic Syndromes, Hereditary; Tumor predisposition; Hereditary neoplastic syndrome; Hereditary Cancer Syndrome. Identifiers: Orphanet 140162, MedGen C0027672, MeSH D009386, MONDO:0015356.

gnomAD v4.1: 1 of 1,613,656 alleles (0.000062%); highest among the groups gnomAD compares: Non-Finnish European, 0.000085%; no homozygotes.

Submission:

Ambry Genetics
Classification: Uncertain significance for Hereditary cancer-predisposing syndrome. Last evaluated: 2025-05-28. Review status: criteria provided, single submitter. Criteria: Ambry Variant Classification Scheme 2023. Collection method: clinical testing. Allele origin: germline.
Comment: The p.G31V variant (also known as c.92G>T), located in coding exon 1 of the GREM1 gene, results from a G to T substitution at nucleotide position 92. The glycine at codon 31 is replaced by valine, an amino acid with dissimilar properties. This amino acid position is conserved. In addition, this alteration is predicted to be deleterious by in silico analysis. Based on the available evidence, the clinical significance of this variant remains unclear.

NM_013372.7(GREM1):c.92G>T (p.Gly31Val)

Gene: GREM1 (gremlin 1, DAN family BMP antagonist; plus strand). Cytogenetic location: 15q13.3.
Variant type: single nucleotide variant.
Coding change: c.92G>T on transcript NM_013372.7 (MANE Select); coding-DNA position 92, G replaced by T.
Protein change: p.Gly31Val; replaces glycine 31 with valine.
Molecular consequence: missense variant. On other transcripts: intron variant (1).
Genome position (GRCh38, 1-based): chr15:32,730,782, G>T. VCF-style: chr15-32730782-G-T. GRCh37 (hg19) VCF-style: chr15-33022983-G-T.
Other names: c.92G>T, p.Gly31Val (NM_001191323.2, NM_001368719.1); c.27+65G>T (NM_001191322.2); short protein forms G31V.
Identifiers: ClinVar variation 4032208 (VCV004032208.1).
Genomic context (GRCh38, chr15:32,730,782, plus strand): 5'-TGCTTCTCCTCTTGGGGACCCTGCTGCCGGCTGCTGAAGGGAAAAAGAAAGGGTCCCAAG[G>T]TGCCATCCCCCCGCCAGACAAGGCCCAGCACAATGACTCAGAGCAGACTCAGTCGCCCCA-3'
Protein context (NP_037504.1, residues 21-41): AAEGKKKGSQ[Gly31Val]AIPPPDKAQH